The following is an entry in ClinVar:

NM_004974.4(KCNA2):c.460G>C (p.Glu154Gln)

Gene: KCNA2 (potassium voltage-gated channel subfamily A member 2; minus strand). Cytogenetic location: 1p13.3.
Variant type: single nucleotide variant.
Coding change: c.460G>C on transcript NM_004974.4 (MANE Select); coding-DNA position 460, G replaced by C.
Protein change: p.Glu154Gln; replaces glutamic acid 154 with glutamine.
Molecular consequence: missense variant.
Genome position (GRCh38, 1-based): chr1:110,604,323, C>G on the plus strand (G>C on the coding strand, the complement: KCNA2 is on the minus strand). VCF-style: chr1-110604323-C-G. GRCh37 (hg19) VCF-style: chr1-111146945-C-G.
Other names: c.460G>C, p.Glu154Gln (NM_001204269.2); short protein forms E154Q.
Identifiers: ClinVar variation 1306994 (VCV001306994.2), dbSNP rs1570753687, ClinGen allele CA341605302.

ClinVar aggregate classification (germline): Uncertain significance (1 of 4 stars; one submission).

Submission:

GeneDx
Classification: Uncertain significance. Last evaluated: 2019-07-11. Review status: criteria provided, single submitter. Criteria: GeneDx Variant Classification Process June 2021. Collection method: clinical testing. Allele origin: germline. Affected: yes.
Comment: Not observed in large population cohorts (Lek et al., 2016); In silico analysis, which includes protein predictors and evolutionary conservation, supports a deleterious effect; Has not been previously published as pathogenic or benign to our knowledge